The following is an entry in ClinVar:

NM_025179.4(PLXNA2):c.2396-12CT[2]

Gene: PLXNA2 (plexin A2; minus strand). Cytogenetic location: 1q32.2.
Variant type: Microsatellite.
Coding change: c.2396-12CT[2] on transcript NM_025179.4 (MANE Select); two copies in a row of the 2-base unit CT starting at c.2396-12; the reference has three copies in a row; one copy, 2 bases deleted.
Molecular consequence: intron variant.
Genome position (GRCh38, 1-based): chr1:208,079,457-208,079,458, AG deleted on the plus strand (CT on the coding strand, the reverse complement: PLXNA2 is on the minus strand); deleting any 2 consecutive bases within chr1:208,079,457-208,079,462 gives the same sequence; the position shown is the placement nearest the transcript's 3' end. VCF-style (leftmost placement, unchanged base first): chr1-208079456-AAG-A. GRCh37 (hg19) VCF-style: chr1-208252801-AAG-A.
Identifiers: ClinVar variation 3030040 (VCV003030040.4), dbSNP rs771833851, ClinGen allele CA1373524.

ClinVar aggregate classification (germline): Likely benign. Review status: criteria provided, single submitter (1 of 4 stars). 2 submissions from 2 submitters: Likely benign (1). 1 of the submissions does not count toward it. Last evaluated 2024-05-29.

Conditions:
PLXNA2-related disorder. Also called: PLXNA2-related condition.

Submissions (2):

Labcorp Genetics (formerly Invitae), Labcorp
Classification: Likely benign. Last evaluated: 2024-05-29. Review status: criteria provided, single submitter. Criteria: Invitae Variant Classification Sherloc (09022015). Collection method: clinical testing. Allele origin: germline.

PreventionGenetics, part of Exact Sciences
Classification: Likely benign for PLXNA2-related condition. Last evaluated: 2021-07-27. Review status: no assertion criteria provided. Collection method: clinical testing. Allele origin: germline. Not counted in ClinVar's aggregate classification.
Comment: This variant is classified as likely benign based on ACMG/AMP sequence variant interpretation guidelines (Richards et al. 2015 PMID: 25741868, with internal and published modifications).